The following is an entry in ClinVar:

NM_017617.5(NOTCH1):c.536T>A (p.Val179Asp)

Gene: NOTCH1 (notch receptor 1; minus strand). Cytogenetic location: 9q34.3.
Variant type: single nucleotide variant.
Coding change: c.536T>A on transcript NM_017617.5 (MANE Select); coding-DNA position 536, T replaced by A.
Protein change: p.Val179Asp; replaces valine 179 with aspartic acid.
Molecular consequence: missense variant.
Genome position (GRCh38, 1-based): chr9:136,523,056, A>T on the plus strand (T>A on the coding strand, the complement: NOTCH1 is on the minus strand). VCF-style: chr9-136523056-A-T. GRCh37 (hg19) VCF-style: chr9-139417508-A-T.
Other names: short protein forms V179D.
Identifiers: ClinVar variation 1747098 (VCV001747098.2), dbSNP rs2133377731, ClinGen allele CA375570489.

ClinVar aggregate classification (germline): Uncertain significance (1 of 4 stars; one submission).

Conditions:
Familial thoracic aortic aneurysm and aortic dissection (TAAD). Also called: Thoracic aortic aneurysms and dissections. Identifiers: Orphanet 91387, MedGen C4707243, MONDO:0019625.

Submission:

Ambry Genetics
Classification: Uncertain significance for Familial thoracic aortic aneurysm and aortic dissection. Last evaluated: 2022-03-23. Review status: criteria provided, single submitter. Criteria: Ambry Variant Classification Scheme 2023. Collection method: clinical testing. Allele origin: germline.
Comment: The p.V179D variant (also known as c.536T>A), located in coding exon 4 of the NOTCH1 gene, results from a T to A substitution at nucleotide position 536. The valine at codon 179 is replaced by aspartic acid, an amino acid with highly dissimilar properties. This amino acid position is conserved. In addition, this alteration is predicted to be deleterious by in silico analysis. Since supporting evidence is limited at this time, the clinical significance of this alteration remains unclear.